The following is an entry in ClinVar:

ClinVar aggregate classification (germline): Uncertain significance (0 of 4 stars; one submission).

Conditions:
NBAS-related disorder. Also called: NBAS-related condition.

Submission:

PreventionGenetics, part of Exact Sciences
Classification: Uncertain significance for NBAS-related condition. Last evaluated: 2024-07-18. Review status: no assertion criteria provided. Collection method: clinical testing. Allele origin: germline.
Comment: The NBAS c.7108dupT variant is predicted to result in a frameshift and premature protein termination (p.Trp2370Leufs*12). To our knowledge, this variant has not been reported in the literature or in a large population database, indicating this variant is rare. While frameshift variants are a known mechanism of disease, this frameshift variant is located in the terminal exon and therefore the transcript is not expected to undergo nonsense mediated decay, and no loss of function variants have been reported downstream of this variant. At this time, the clinical significance of this variant is uncertain due to the absence of conclusive functional and genetic evidence.

NM_015909.4(NBAS):c.7108dup (p.Trp2370fs)

Gene: NBAS (NBAS subunit of NRZ tethering complex; minus strand). Cytogenetic location: 2p24.3.
Variant type: Duplication.
Coding change: c.7108dup on transcript NM_015909.4 (MANE Select); coding-DNA position 7108, one base duplicated (T; older notation c.7108dupT).
Protein change: p.Trp2370fs; shifts the reading frame from tryptophan 2370.
Molecular consequence: frameshift variant. On other transcripts: non-coding transcript variant (1).
Genome position (GRCh38, 1-based): chr2:15,167,056, A duplicated on the plus strand (T on the coding strand, the reverse complement: NBAS is on the minus strand). VCF-style (leftmost placement, unchanged base first): chr2-15167055-C-CA. GRCh37 (hg19) VCF-style: chr2-15307179-C-CA.
Other names: short protein forms W2370fs.
Identifiers: ClinVar variation 3346378 (VCV003346378.1).